The following is an entry in ClinVar:

ClinVar aggregate classification (germline): Likely pathogenic. Review status: criteria provided, multiple submitters, no conflicts (2 of 4 stars). 4 submissions from 4 submitters: Likely pathogenic (3). 1 of the submissions does not count toward it. Last evaluated 2024-08-08.

Conditions:
Bifunctional peroxisomal enzyme deficiency (DBIF). Also called: DBP DEFICIENCY; PBFE DEFICIENCY; D-bifunctional protein deficiency. Identifiers: Orphanet 300, MedGen C0342870, MONDO:0009855, OMIM 261515. Disease mechanism: loss of function.
Perrault syndrome. Also called: Gonadal dysgenesis with auditory dysfunction, autosomal recessive inheritance. Identifiers: Orphanet 2855, MedGen C0685838, MONDO:0017312.
Perrault syndrome 1 (PRLTS1). Also called: GONADAL DYSGENESIS, XX TYPE, WITH DEAFNESS; OVARIAN DYSGENESIS WITH SENSORINEURAL DEAFNESS. Identifiers: Orphanet 2855, Orphanet 642945, MedGen C4551721, MONDO:0009300, OMIM 233400.

Allele frequency attached by ClinVar (database versions not stated): ExAC 0.00001; gnomAD 0.00001; gnomAD exomes below 0.00001.
gnomAD v4.1: 5 of 1,579,468 alleles (0.00032%); highest among the groups gnomAD compares: Admixed American, 0.0084%; no homozygotes.

Submissions (4):

Natera, Inc.
Classification: Likely pathogenic for Bifunctional peroxisomal enzyme deficiency. Last evaluated: 2024-08-08. Review status: criteria provided, single submitter. Criteria: Natera Variant Classification Schema (03/2026). Collection method: clinical testing. Allele origin: germline.
Comment: The c.1574-1G>A variant in HSD17B4 is a canonical splice acceptor site variant predicted to affect pre-mRNA splicing, which may result in an abnormal transcript and altered protein product. This variant is expected to result in nonsense mediated decay, truncation, or a dysfunctional protein product. This variant is rare in the general population with a frequency below the threshold expected for the associated phenotype(s). Given the available evidence, this variant is classified as Likely Pathogenic.

Fulgent Genetics
Classification: Likely pathogenic for Perrault syndrome 1; Bifunctional peroxisomal enzyme deficiency. Last evaluated: 2024-05-23. Review status: criteria provided, single submitter. Criteria: ACMG Guidelines, 2015. Collection method: clinical testing. Allele origin: germline.

Labcorp Genetics (formerly Invitae), Labcorp
Classification: Likely pathogenic for Perrault syndrome; Bifunctional peroxisomal enzyme deficiency. Last evaluated: 2024-03-18. Review status: criteria provided, single submitter. Criteria: Invitae Variant Classification Sherloc (09022015). Collection method: clinical testing. Allele origin: germline.
Comment: This sequence change affects an acceptor splice site in intron 18 of the HSD17B4 gene. It is expected to disrupt RNA splicing. Variants that disrupt the donor or acceptor splice site typically lead to a loss of protein function (PMID: 16199547), and loss-of-function variants in HSD17B4 are known to be pathogenic (PMID: 11810648, 16385454, 20673864). This variant is present in population databases (rs755412738, gnomAD 0.006%). This variant has not been reported in the literature in individuals affected with HSD17B4-related conditions. ClinVar contains an entry for this variant (Variation ID: 371062). Algorithms developed to predict the effect of sequence changes on RNA splicing suggest that this variant may disrupt the consensus splice site. In summary, the currently available evidence indicates that the variant is pathogenic, but additional data are needed to prove that conclusively. Therefore, this variant has been classified as Likely Pathogenic.

Counsyl
Classification: Likely pathogenic for Bifunctional peroxisomal enzyme deficiency. Last evaluated: 2016-06-21. Review status: no assertion criteria provided. Collection method: clinical testing. Allele origin: unknown. Not counted in ClinVar's aggregate classification.

Literature cited by the submitters: PubMed 16199547 (cited by Labcorp Genetics (formerly Invitae), Labcorp); PubMed 11810648 (cited by Labcorp Genetics (formerly Invitae), Labcorp); PubMed 16385454 (cited by Labcorp Genetics (formerly Invitae), Labcorp); PubMed 20673864 (cited by Labcorp Genetics (formerly Invitae), Labcorp).

NM_000414.4(HSD17B4):c.1574-1G>A

Gene: HSD17B4 (hydroxysteroid 17-beta dehydrogenase 4; plus strand). Cytogenetic location: 5q23.1.
Variant type: single nucleotide variant.
Coding change: c.1574-1G>A on transcript NM_000414.4 (MANE Select); the canonical splice acceptor site of the intron before coding-DNA position 1574, G replaced by A.
Molecular consequence: splice acceptor variant.
Genome position (GRCh38, 1-based): chr5:119,525,916, G>A. VCF-style: chr5-119525916-G-A. GRCh37 (hg19) VCF-style: chr5-118861611-G-A.
Other names: c.1163-1G>A (NM_001374503.1, NM_001374502.1, NM_001374501.1); c.1649-1G>A (NM_001199291.3); c.1247-1G>A (NM_001374499.1); c.1133-1G>A (NM_001374500.1); c.1154-1G>A (NM_001292028.2); c.1502-1G>A (NM_001292027.2, NM_001374498.1); c.1565-1G>A (NM_001374497.1); c.1520-1G>A (NM_001199292.2).
Identifiers: ClinVar variation 371062 (VCV000371062.13), dbSNP rs755412738, ClinGen allele CA3382331.